The following is an entry in ClinVar:

ClinVar aggregate classification (germline): Likely benign (1 of 4 stars; one submission).

Conditions:
PLXNA2-related disorder. Also called: PLXNA2-related condition.

Submission:

PreventionGenetics, part of Exact Sciences
Classification: Likely benign for PLXNA2-related condition. Last evaluated: 2025-02-19. Review status: criteria provided, single submitter. Criteria: ACMG Guidelines, 2015. Collection method: clinical testing. Allele origin: germline.
Comment: This variant is classified as likely benign based on ACMG/AMP sequence variant interpretation guidelines (Richards et al. 2015 PMID: 25741868, with internal and published modifications).

NM_025179.4(PLXNA2):c.513G>A (p.Val171=)

Gene: PLXNA2 (plexin A2; minus strand). Cytogenetic location: 1q32.2.
Variant type: single nucleotide variant.
Coding change: c.513G>A on transcript NM_025179.4 (MANE Select); coding-DNA position 513, G replaced by A.
Protein change: p.Val171=; no amino-acid change (valine 171 retained).
Molecular consequence: synonymous variant.
Genome position (GRCh38, 1-based): chr1:208,217,410, C>T on the plus strand (G>A on the coding strand, the complement: PLXNA2 is on the minus strand). VCF-style: chr1-208217410-C-T. GRCh37 (hg19) VCF-style: chr1-208390755-C-T.
Identifiers: ClinVar variation 5002332 (VCV005002332.1).